The following is an entry in ClinVar:

NM_000368.5(TSC1):c.658G>A (p.Val220Ile)

Gene: TSC1 (TSC complex subunit 1; minus strand). Cytogenetic location: 9q34.13.
Variant type: single nucleotide variant.
Coding change: c.658G>A on transcript NM_000368.5 (MANE Select); coding-DNA position 658, G replaced by A.
Protein change: p.Val220Ile; replaces valine 220 with isoleucine.
Molecular consequence: missense variant. On other transcripts: 5 prime UTR variant (5), non-coding transcript variant (5).
Genome position (GRCh38, 1-based): chr9:132,921,824, C>T on the plus strand (G>A on the coding strand, the complement: TSC1 is on the minus strand). VCF-style: chr9-132921824-C-T. GRCh37 (hg19) VCF-style: chr9-135797211-C-T.
Other names: c.658G>A, p.Val220Ile (NM_001162426.2, NM_001406592.1, NM_001406593.1 and 16 more transcripts); c.505G>A, p.Val169Ile (NM_001162427.2, NM_001406610.1, NM_001406611.1 and 2 more transcripts); c.295G>A, p.Val99Ile (NM_001362177.2, NM_001406614.1, NM_001406625.1 and 10 more transcripts); c.-220G>A (NM_001406626.1, NM_001406627.1, NM_001406628.1); c.-362G>A (NM_001406629.1); c.-436G>A (NM_001406630.1); short protein forms V220I, V169I, V99I.
Identifiers: ClinVar variation 2875445 (VCV002875445.4), dbSNP rs397514830, ClinGen allele CA038378.
Genomic context (GRCh38, chr9:132,921,824, plus strand): 5'-GCAGCCTATCTAAACAGTATACTAAGTAGCAAACAAACAAGCAGTTTCAATTTACCTTGA[C>T]CACTTCTTCAAAAGTCTCCAGGTTTTCTTTCATACTGTAATGAGAACGCAAAAAGGAGAC-3'
Protein context (NP_000359.1, residues 210-230): KENLETFEEV[Val220Ile]KPMMEHVRIH

ClinVar aggregate classification (germline): Conflicting classifications of pathogenicity. Review status: criteria provided, conflicting classifications (1 of 4 stars). 2 submissions from 2 submitters: Uncertain significance (1); Likely benign (1). Last evaluated 2025-06-24.

Conditions:
Hereditary cancer-predisposing syndrome. Also called: Hereditary Cancer Syndrome; Hereditary neoplastic syndrome; Neoplastic Syndromes, Hereditary; Tumor predisposition. Identifiers: Orphanet 140162, MedGen C0027672, MeSH D009386, MONDO:0015356.
Tuberous sclerosis 1 (TSC1). Identifiers: Orphanet 805, MedGen C1854465, MONDO:0008612, OMIM 191100.

Allele frequency attached by ClinVar (database versions not stated): gnomAD exomes below 0.00001; ExAC 0.00001; gnomAD 0.00001.

Submissions (2):

Ambry Genetics
Classification: Uncertain significance for Hereditary cancer-predisposing syndrome. Last evaluated: 2025-06-24. Review status: criteria provided, single submitter. Criteria: Ambry Variant Classification Scheme 2023. Collection method: clinical testing. Allele origin: germline.
Comment: The p.V220I variant (also known as c.658G>A), located in coding exon 5 of the TSC1 gene, results from a G to A substitution at nucleotide position 658. The valine at codon 220 is replaced by isoleucine, an amino acid with highly similar properties. This amino acid position is highly conserved in available vertebrate species. In addition, the in silico prediction for this alteration is inconclusive. Based on the available evidence, the clinical significance of this variant remains unclear.

Labcorp Genetics (formerly Invitae), Labcorp
Classification: Likely benign for Tuberous sclerosis 1. Last evaluated: 2024-06-13. Review status: criteria provided, single submitter. Criteria: Invitae Variant Classification Sherloc (09022015). Collection method: clinical testing. Allele origin: germline.